The following is an entry in ClinVar:

ClinVar aggregate classification (germline): Uncertain significance. Review status: criteria provided, multiple submitters, no conflicts (2 of 4 stars). 2 submissions from 2 submitters: Uncertain significance (2). Last evaluated 2025-08-26.

Conditions:
Inborn genetic diseases. Identifiers: MedGen C0950123, MeSH D030342.

gnomAD v4.1: 3 of 1,608,690 alleles (0.00019%); highest among the groups gnomAD compares: Non-Finnish European, 0.00025%; no homozygotes.

Submissions (2):

Ambry Genetics
Classification: Uncertain significance for Inborn genetic diseases. Last evaluated: 2025-08-26. Review status: criteria provided, single submitter. Criteria: Ambry Variant Classification Scheme 2023. Collection method: clinical testing. Allele origin: germline.

Labcorp Genetics (formerly Invitae), Labcorp
Classification: Uncertain significance. Last evaluated: 2025-06-08. Review status: criteria provided, single submitter. Criteria: Invitae Variant Classification Sherloc (09022015). Collection method: clinical testing. Allele origin: germline.
Comment: This sequence change replaces glutamic acid, which is acidic and polar, with lysine, which is basic and polar, at codon 1672 of the ANKRD26 protein (p.Glu1672Lys). This variant is present in population databases (rs376649529, gnomAD 0.0009%). This variant has not been reported in the literature in individuals affected with ANKRD26-related conditions. ClinVar contains an entry for this variant (Variation ID: 3868690). An algorithm developed to predict the effect of missense changes on protein structure and function outputs the following: PolyPhen-2: "Benign". The lysine amino acid residue is found in multiple mammalian species, which suggests that this missense change does not adversely affect protein function. In summary, the available evidence is currently insufficient to determine the role of this variant in disease. Therefore, it has been classified as a Variant of Uncertain Significance.

NM_014915.3(ANKRD26):c.5014G>A (p.Glu1672Lys)

Gene: ANKRD26 (ankyrin repeat domain 26; minus strand). Cytogenetic location: 10p12.1.
Variant type: single nucleotide variant.
Coding change: c.5014G>A on transcript NM_014915.3 (MANE Select); coding-DNA position 5014, G replaced by A.
Protein change: p.Glu1672Lys; replaces glutamic acid 1672 with lysine.
Molecular consequence: missense variant.
Genome position (GRCh38, 1-based): chr10:27,005,709, C>T on the plus strand (G>A on the coding strand, the complement: ANKRD26 is on the minus strand). VCF-style: chr10-27005709-C-T. GRCh37 (hg19) VCF-style: chr10-27294638-C-T.
Other names: c.5011G>A, p.Glu1671Lys (NM_001256053.2); short protein forms E1671K, E1672K.
Identifiers: ClinVar variation 3868690 (VCV003868690.3).